The following is an entry in ClinVar:

NM_000202.8(IDS):c.241-5A>T

Gene: IDS (iduronate 2-sulfatase; minus strand). Cytogenetic location: Xq28.
Variant type: single nucleotide variant.
Coding change: c.241-5A>T on transcript NM_000202.8 (MANE Select); 5 bases into the intron before coding-DNA position 241, A replaced by T.
Molecular consequence: intron variant.
Genome position (GRCh38, 1-based): chrX:149,503,494, T>A on the plus strand (A>T on the coding strand, the complement: IDS is on the minus strand). VCF-style: chrX-149503494-T-A. GRCh37 (hg19) VCF-style: chrX-148585024-T-A.
Other names: c.15-49A>T (NM_001166550.4); c.241-5A>T (NM_006123.5).
Identifiers: ClinVar variation 221219 (VCV000221219.5), dbSNP rs113993952, ClinGen allele CA349692.

ClinVar aggregate classification (germline): Conflicting classifications of pathogenicity. Review status: criteria provided, conflicting classifications (1 of 4 stars). 2 submissions from 2 submitters: Pathogenic (1); Uncertain significance (1). Last evaluated 2024-06-07.

Conditions:
Mucopolysaccharidosis, MPS-II (MPS2). Also called: Hunter Syndrome; Mucopolysaccharidosis with skin involvement; Mucopolysaccharidosis type 2; IDURONATE 2-SULFATASE DEFICIENCY; Mucopolysaccharidosis Type II; IDS deficiency. Identifiers: Orphanet 580, Orphanet 79388, MedGen C0026705, MONDO:0010674, OMIM 309900.

Submissions (2):

Laboratory of Diagnosis and Therapy of Lysosomal Disorders, University of Padova
Classification: Uncertain significance for Mucopolysaccharidosis, MPS-II. Last evaluated: 2024-06-07. Review status: criteria provided, single submitter. Criteria: ACMG Guidelines, 2015. Collection method: literature only. Allele origin: germline. Affected: yes. Observed: 1 variant allele.
Comment: Absent from controls (or at low frequency) in gnomAD database (PM2_Moderate), Patient’s phenotype or family history highly specific for the disease (PP4_Moderate)

Classification method: ACMG Guidelines [PMID:25741868] with modifications

IIFP, CONICET-UNLP
Classification: Pathogenic for Mucopolysaccharidosis, MPS-II. Last evaluated: 2008-03-25. Review status: criteria provided, single submitter. Criteria: ACMG Guidelines, 2007. Collection method: research. Allele origin: maternal. Inheritance: X-linked inheritance. Affected: yes. Observed: 1 variant allele.

Literature cited by the submitters: PubMed 27896113 (cited by Laboratory of Diagnosis and Therapy of Lysosomal Disorders, University of Padova); DOI 10.1016/j.ymgmr.2014.08.006 (cited by IIFP, CONICET-UNLP).